The following is an entry in ClinVar:

ClinVar aggregate classification (germline): Uncertain significance (1 of 4 stars; one submission).

Conditions:
Primary dilated cardiomyopathy (DCM). Also called: Dilated Cardiomyopathy. Identifiers: Orphanet 217604, MedGen C0007193, MeSH D002311, MONDO:0005021, HP:0001644. Inheritance: Various modes of inheritance.
Hypertrophic cardiomyopathy. Also called: HYPERTROPHIC MYOCARDIOPATHY. Identifiers: Orphanet 217569, MedGen C0007194, MeSH D002312, MONDO:0005045, HP:0001639.

gnomAD v4.1: 3 of 1,609,282 alleles (0.00019%); highest among the groups gnomAD compares: Non-Finnish European, 0.00025%; no homozygotes.

Submission:

Labcorp Genetics (formerly Invitae), Labcorp
Classification: Uncertain significance for Hypertrophic cardiomyopathy; Primary dilated cardiomyopathy. Last evaluated: 2024-01-13. Review status: criteria provided, single submitter. Criteria: Invitae Variant Classification Sherloc (09022015). Collection method: clinical testing. Allele origin: germline.
Comment: This sequence change replaces valine, which is neutral and non-polar, with leucine, which is neutral and non-polar, at codon 233 of the PDLIM3 protein (p.Val233Leu). This variant is not present in population databases (gnomAD no frequency). This variant has not been reported in the literature in individuals affected with PDLIM3-related conditions. Advanced modeling of protein sequence and biophysical properties (such as structural, functional, and spatial information, amino acid conservation, physicochemical variation, residue mobility, and thermodynamic stability) has been performed at Invitae for this missense variant, however the output from this modeling did not meet the statistical confidence thresholds required to predict the impact of this variant on PDLIM3 protein function. In summary, the available evidence is currently insufficient to determine the role of this variant in disease. Therefore, it has been classified as a Variant of Uncertain Significance.

NM_014476.6(PDLIM3):c.697G>T (p.Val233Leu)

Gene: PDLIM3 (PDZ and LIM domain 3; minus strand). Cytogenetic location: 4q35.1.
Variant type: single nucleotide variant.
Coding change: c.697G>T on transcript NM_014476.6 (MANE Select); coding-DNA position 697, G replaced by T.
Protein change: p.Val233Leu; replaces valine 233 with leucine.
Molecular consequence: missense variant. On other transcripts: non-coding transcript variant (1).
Genome position (GRCh38, 1-based): chr4:185,506,618, C>A on the plus strand (G>T on the coding strand, the complement: PDLIM3 is on the minus strand). VCF-style: chr4-185506618-C-A. GRCh37 (hg19) VCF-style: chr4-186427772-C-A.
Other names: c.553G>T, p.Val185Leu (NM_001114107.5); c.433G>T, p.Val145Leu (NM_001257962.2); c.196G>T, p.Val66Leu (NM_001257963.2); short protein forms V185L, V233L, V145L, V66L.
Identifiers: ClinVar variation 2953620 (VCV002953620.3), dbSNP rs143121072, ClinGen allele CA358922924.